The following is an entry in ClinVar:

ClinVar aggregate classification (germline): Likely pathogenic (1 of 4 stars; one submission).

Conditions:
Primary ciliary dyskinesia. Also called: Ciliary dyskinesia. Identifiers: Orphanet 244, MedGen C0008780, MONDO:0016575, HP:0012265.

Submission:

Ambry Genetics
Classification: Likely pathogenic for Primary ciliary dyskinesia. Last evaluated: 2017-08-17. Review status: criteria provided, single submitter. Criteria: Ambry Variant Classification Scheme 2023. Collection method: clinical testing. Allele origin: germline.
Comment: The c.301-2A>G intronic variant results from an A to G substitution two nucleotides upstream from coding exon 3 in the SPAG1 gene. This nucleotide position is highly conserved in available vertebrate species. Using the BDGP and ESEfinder splice site prediction tools, this alteration is predicted to abolish the native splice acceptor site; however, direct evidence is unavailable. Alterations that disrupt the canonical splice site are expected to cause aberrant splicing, resulting in an abnormal protein or a transcript that is subject to nonsense-mediated mRNA decay. As such, this alteration is classified as likely pathogenic.

NM_003114.5(SPAG1):c.301-2A>G

Gene: SPAG1 (sperm associated antigen 1; plus strand). Cytogenetic location: 8q22.2.
Variant type: single nucleotide variant.
Coding change: c.301-2A>G on transcript NM_003114.5 (MANE Select); the canonical splice acceptor site of the intron before coding-DNA position 301, A replaced by G.
Molecular consequence: splice acceptor variant.
Genome position (GRCh38, 1-based): chr8:100,177,814, A>G. VCF-style: chr8-100177814-A-G. GRCh37 (hg19) VCF-style: chr8-101190042-A-G.
Other names: c.301-2A>G (NM_001374321.1, NM_172218.3).
Identifiers: ClinVar variation 1798819 (VCV001798819.2), dbSNP rs2489308738, ClinGen allele CA371800271.